The following is an entry in ClinVar:

NM_001481.3(DRC4):c.715G>T (p.Asp239Tyr)

Gene: DRC4 (dynein regulatory complex subunit 4; plus strand). Cytogenetic location: 16q24.3.
Variant type: single nucleotide variant.
Coding change: c.715G>T on transcript NM_001481.3 (MANE Select); coding-DNA position 715, G replaced by T.
Protein change: p.Asp239Tyr; replaces aspartic acid 239 with tyrosine.
Molecular consequence: missense variant.
Genome position (GRCh38, 1-based): chr16:90,036,545, G>T. VCF-style: chr16-90036545-G-T. GRCh37 (hg19) VCF-style: chr16-90102953-G-T.
Other names: c.466G>T, p.Asp156Tyr (NM_001286205.2); c.139G>T, p.Asp47Tyr (NM_001286208.2); c.640G>T, p.Asp214Tyr (NM_001286209.2); c.715G>T (NM_001481.2); short protein forms D156Y, D239Y, D47Y, D214Y.
Identifiers: ClinVar variation 2159293 (VCV002159293.4), dbSNP rs763326068, ClinGen allele CA8257929.

ClinVar aggregate classification (germline): Uncertain significance. Review status: criteria provided, multiple submitters, no conflicts (2 of 4 stars). 3 submissions from 3 submitters: Uncertain significance (3). Last evaluated 2024-10-15.

Conditions:
Inborn genetic diseases. Identifiers: MedGen C0950123, MeSH D030342.
Primary ciliary dyskinesia 33. Also called: CILIARY DYSKINESIA, PRIMARY, 33, WITHOUT SITUS INVERSUS. Identifiers: Orphanet 244, MedGen C4225230, MONDO:0014750, OMIM 616726.

gnomAD v4.1: 107 of 1,602,918 alleles (0.0067%); highest among the groups gnomAD compares: Non-Finnish European, 0.0087%; 1 homozygote.

Submissions (3):

Labcorp Genetics (formerly Invitae), Labcorp
Classification: Uncertain significance for Primary ciliary dyskinesia 33. Last evaluated: 2024-10-15. Review status: criteria provided, single submitter. Criteria: Invitae Variant Classification Sherloc (09022015). Collection method: clinical testing. Allele origin: germline.
Comment: This sequence change replaces aspartic acid, which is acidic and polar, with tyrosine, which is neutral and polar, at codon 239 of the GAS8 protein (p.Asp239Tyr). This variant is present in population databases (rs763326068, gnomAD 0.006%). This variant has not been reported in the literature in individuals affected with GAS8-related conditions. ClinVar contains an entry for this variant (Variation ID: 2159293). Invitae Evidence Modeling of protein sequence and biophysical properties (such as structural, functional, and spatial information, amino acid conservation, physicochemical variation, residue mobility, and thermodynamic stability) indicates that this missense variant is expected to disrupt GAS8 protein function with a positive predictive value of 80%. In summary, the available evidence is currently insufficient to determine the role of this variant in disease. Therefore, it has been classified as a Variant of Uncertain Significance.

Ambry Genetics
Classification: Uncertain significance for Inborn genetic diseases. Last evaluated: 2024-01-23. Review status: criteria provided, single submitter. Criteria: Ambry Variant Classification Scheme 2023. Collection method: clinical testing. Allele origin: germline.

Blueprint Genetics
Classification: Uncertain significance. Last evaluated: 2021-11-30. Review status: criteria provided, single submitter. Criteria: ACMG Guidelines, 2015. Collection method: clinical testing. Allele origin: germline.